The following is an entry in ClinVar:

NM_006767.4(LZTR1):c.401-130G>C

Gene: LZTR1 (leucine zipper like post translational regulator 1; plus strand). Cytogenetic location: 22q11.21.
Variant type: single nucleotide variant.
Coding change: c.401-130G>C on transcript NM_006767.4 (MANE Select); 130 bases into the intron before coding-DNA position 401, G replaced by C.
Molecular consequence: intron variant.
Genome position (GRCh38, 1-based): chr22:20,987,880, G>C. VCF-style: chr22-20987880-G-C. GRCh37 (hg19) VCF-style: chr22-21342169-G-C.
Identifiers: ClinVar variation 561529 (VCV000561529.2), dbSNP rs178289, ClinGen allele CA14920732.

ClinVar aggregate classification (germline): Benign. Review status: criteria provided, multiple submitters, no conflicts (2 of 4 stars). 2 submissions from 2 submitters: Benign (2). Last evaluated 2018-06-16.

Allele frequency attached by ClinVar (database versions not stated): TOPMed 0.41532; 1000 Genomes Project 30x 0.54575; 1000 Genomes Project 0.55112.
gnomAD v4.1: 265,714 of 666,242 alleles (40%); highest among the groups gnomAD compares: East Asian, 70%; 58,303 homozygotes.

Submissions (2):

GeneDx
Classification: Benign. Last evaluated: 2018-06-16. Review status: criteria provided, single submitter. Criteria: GeneDx Variant Classification (06012015). Collection method: clinical testing. Allele origin: germline. Affected: yes.
Comment: This variant is considered likely benign or benign based on one or more of the following criteria: it is a conservative change, it occurs at a poorly conserved position in the protein, it is predicted to be benign by multiple in silico algorithms, and/or has population frequency not consistent with disease.

Breakthrough Genomics
Classification: Benign. Review status: criteria provided, single submitter. Criteria: ACMG Guidelines, 2015. Collection method: not provided. Allele origin: germline. Inheritance: Autosomal recessive inheritance. Affected: yes.